The following is an entry in ClinVar:

NM_001382430.1(AKT1):c.338A>G (p.Gln113Arg)

Gene: AKT1 (AKT serine/threonine kinase 1; minus strand). Cytogenetic location: 14q32.33.
Variant type: single nucleotide variant.
Coding change: c.338A>G on transcript NM_001382430.1 (MANE Select); coding-DNA position 338, A replaced by G.
Protein change: p.Gln113Arg; replaces glutamine 113 with arginine.
Molecular consequence: missense variant.
Genome position (GRCh38, 1-based): chr14:104,775,749, T>C on the plus strand (A>G on the coding strand, the complement: AKT1 is on the minus strand). VCF-style: chr14-104775749-T-C. GRCh37 (hg19) VCF-style: chr14-105242086-T-C.
Other names: c.338A>G, p.Gln113Arg (NM_001014431.2, NM_001014432.2, NM_001382431.1 and 3 more transcripts); short protein forms Q113R.
Identifiers: ClinVar variation 3282995 (VCV003282995.1).
Genomic context (GRCh38, chr14:104,775,749, plus strand): 5'-TCTTCAGCCCCTGAGTTGTCACTGGGTGAGCCCGACCGGAAGTCCATCTCCTCCTCCTCC[T>C]GCTTCTTGAGGCCGTCAGCCACAGTCTGGATGGCGGTTGTCCACTCCTCCCTGCAGGAGG-3'
Protein context (NP_001369359.1, residues 103-123): IQTVADGLKK[Gln113Arg]EEEEMDFRSG

ClinVar aggregate classification (germline): Uncertain significance (1 of 4 stars; one submission).

Conditions:
Inborn genetic diseases. Identifiers: MedGen C0950123, MeSH D030342.

gnomAD v4.1: 1 of 1,614,040 alleles (0.000062%); highest among the groups gnomAD compares: Non-Finnish European, 0.000085%; no homozygotes.

Submission:

Ambry Genetics
Classification: Uncertain significance for Inborn genetic diseases. Last evaluated: 2024-05-04. Review status: criteria provided, single submitter. Criteria: Ambry Variant Classification Scheme 2023. Collection method: clinical testing. Allele origin: germline.
Comment: The p.Q113R variant (also known as c.338A>G), located in coding exon 4 of the AKT1 gene, results from an A to G substitution at nucleotide position 338. The glutamine at codon 113 is replaced by arginine, an amino acid with highly similar properties. This amino acid position is conserved. In addition, this alteration is predicted to be tolerated by in silico analysis. Based on the available evidence, the clinical significance of this variant remains unclear.